The following is an entry in ClinVar:

NM_001042492.3(NF1):c.162T>C (p.Val54=)

Gene: NF1 (neurofibromin 1; plus strand). Cytogenetic location: 17q11.2.
Variant type: single nucleotide variant.
Coding change: c.162T>C on transcript NM_001042492.3 (MANE Select); coding-DNA position 162, T replaced by C.
Protein change: p.Val54=; no amino-acid change (valine 54 retained).
Molecular consequence: synonymous variant.
Genome position (GRCh38, 1-based): chr17:31,156,084, T>C. VCF-style: chr17-31156084-T-C. GRCh37 (hg19) VCF-style: chr17-29483102-T-C.
Other names: c.162T>C, p.Val54= (NM_000267.4, NM_001128147.3).
Identifiers: ClinVar variation 234171 (VCV000234171.12), dbSNP rs876660899, ClinGen allele CA10580182.

ClinVar aggregate classification (germline): Likely benign. Review status: criteria provided, multiple submitters, no conflicts (2 of 4 stars). 3 submissions from 3 submitters: Likely benign (3). Last evaluated 2022-03-15.

Conditions:
Hereditary cancer-predisposing syndrome. Also called: Tumor predisposition; Hereditary Cancer Syndrome; Hereditary neoplastic syndrome; Neoplastic Syndromes, Hereditary. Identifiers: Orphanet 140162, MedGen C0027672, MeSH D009386, MONDO:0015356.
Neurofibromatosis, type 1 (NF1). Also called: VON RECKLINGHAUSEN DISEASE; NEUROFIBROMATOSIS, TYPE I, SOMATIC; Peripheral type neurofibromatosis; Neurofibromatosis, type I. Identifiers: Orphanet 636, MedGen C0027831, MONDO:0018975, OMIM 162200. Disease mechanism: loss of function.

Submissions (3):

Genome-Nilou Lab
Classification: Likely benign for Neurofibromatosis, type 1. Last evaluated: 2022-03-15. Review status: criteria provided, single submitter. Criteria: ACMG Guidelines, 2015. Collection method: clinical testing. Allele origin: germline. Affected: no.

Labcorp Genetics (formerly Invitae), Labcorp
Classification: Likely benign for Neurofibromatosis, type 1. Last evaluated: 2021-08-18. Review status: criteria provided, single submitter. Criteria: Invitae Variant Classification Sherloc (09022015). Collection method: clinical testing. Allele origin: germline.

Ambry Genetics
Classification: Likely benign for Hereditary cancer-predisposing syndrome. Last evaluated: 2015-09-28. Review status: criteria provided, single submitter. Criteria: Ambry Autosomal Dominant and X-Linked criteria (10/2015). Collection method: clinical testing. Allele origin: germline. Observed: 1 variant allele.
Comment: Synonymous alterations with insufficient evidence to classify as benign